The following is an entry in ClinVar:

NM_000548.5(TSC2):c.1658A>G (p.Tyr553Cys)

Gene: TSC2 (TSC complex subunit 2; plus strand). Cytogenetic location: 16p13.3.
Variant type: single nucleotide variant.
Coding change: c.1658A>G on transcript NM_000548.5 (MANE Select); coding-DNA position 1658, A replaced by G.
Protein change: p.Tyr553Cys; replaces tyrosine 553 with cysteine.
Molecular consequence: missense variant.
Genome position (GRCh38, 1-based): chr16:2,065,577, A>G. VCF-style: chr16-2065577-A-G. GRCh37 (hg19) VCF-style: chr16-2115578-A-G.
Other names: c.1658A>G, p.Tyr553Cys (NM_001077183.3, NM_001114382.3, NM_001363528.2 and 3 more transcripts); c.1547A>G, p.Tyr516Cys (NM_001318827.2); c.1511A>G, p.Tyr504Cys (NM_001318829.2); c.1058A>G, p.Tyr353Cys (NM_001318831.2); c.1691A>G, p.Tyr564Cys (NM_001318832.2); short protein forms Y553C, Y504C, Y516C, Y353C, Y564C.
Identifiers: ClinVar variation 576263 (VCV000576263.16), dbSNP rs1319281731, ClinGen allele CA394268052.

ClinVar aggregate classification (germline): Conflicting classifications of pathogenicity. Review status: criteria provided, conflicting classifications (1 of 4 stars). 3 submissions from 3 submitters: Uncertain significance (2); Benign (1). Last evaluated 2026-01-21.

Conditions:
Hereditary cancer-predisposing syndrome. Also called: Hereditary neoplastic syndrome; Tumor predisposition; Hereditary Cancer Syndrome; Neoplastic Syndromes, Hereditary. Identifiers: Orphanet 140162, MedGen C0027672, MeSH D009386, MONDO:0015356.
Tuberous sclerosis 2 (TSC2). Identifiers: Orphanet 805, MedGen C1860707, MONDO:0013199, OMIM 613254.

Allele frequency attached by ClinVar (database versions not stated): gnomAD exomes 0.00001.
gnomAD v4.1: 3 of 1,613,762 alleles (0.00019%); highest among the groups gnomAD compares: Middle Eastern, 0.049%; no homozygotes.

Submissions (3):

Labcorp Genetics (formerly Invitae), Labcorp
Classification: Benign for Tuberous sclerosis 2. Last evaluated: 2026-01-21. Review status: criteria provided, single submitter. Criteria: Invitae Variant Classification Sherloc (09022015). Collection method: clinical testing. Allele origin: germline.

Ambry Genetics
Classification: Uncertain significance for Hereditary cancer-predisposing syndrome. Last evaluated: 2025-11-03. Review status: criteria provided, single submitter. Criteria: Ambry Variant Classification Scheme 2023. Collection method: clinical testing. Allele origin: germline.
Comment: The p.Y553C variant (also known as c.1658A>G), located in coding exon 15 of the TSC2 gene, results from an A to G substitution at nucleotide position 1658. The tyrosine at codon 553 is replaced by cysteine, an amino acid with highly dissimilar properties. This amino acid position is not well conserved in available vertebrate species. In addition, the in silico prediction for this alteration is inconclusive. Since supporting evidence is limited at this time, the clinical significance of this alteration remains unclear.

Sema4
Classification: Uncertain significance for Hereditary cancer-predisposing syndrome. Last evaluated: 2021-05-02. Review status: criteria provided, single submitter. Criteria: Sema4 Curation Guidelines. Collection method: curation. Allele origin: germline.
Comment: To the best of our knowledge, the TSC2 c.1658A>G (p.Y553C) variant has not been reported in individuals with TSC2-related disease. It was observed in 2/250662 chromosomes in the large and broad cohorts of the Genome Aggregation Database. The variant has been reported in ClinVar (Variation ID 576263). In silico tools suggest the impact of the variant on protein function is inconclusive, though these predictions have not been confirmed by functional studies. The evidence is insufficient to meet ACMG/AMP criteria for classifying the variant as benign or pathogenic. Thus, the clinical significance of this variant is currently uncertain.